The following is an entry in ClinVar:

NM_000021.4(PSEN1):c.560A>C (p.Lys187Thr)

Gene: PSEN1 (presenilin 1; plus strand). Cytogenetic location: 14q24.2.
Variant type: single nucleotide variant.
Coding change: c.560A>C on transcript NM_000021.4 (MANE Select); coding-DNA position 560, A replaced by C.
Protein change: p.Lys187Thr; replaces lysine 187 with threonine.
Molecular consequence: missense variant.
Genome position (GRCh38, 1-based): chr14:73,192,655, A>C. VCF-style: chr14-73192655-A-C. GRCh37 (hg19) VCF-style: chr14-73659363-A-C.
Other names: c.548A>C, p.Lys183Thr (NM_007318.3); short protein forms K187T, K183T.
Identifiers: ClinVar variation 1390006 (VCV001390006.6), dbSNP rs2140093212, ClinGen allele CA390298962.

ClinVar aggregate classification (germline): Uncertain significance (1 of 4 stars; one submission).

Conditions:
Frontotemporal dementia (FTD1). Also called: Frontotemporal lobe dementia (FLDEM); Dementia, frontotemporal, with or without parkinsonism; WILHELMSEN-LYNCH DISEASE; Frontotemporal Dementia with Parkinsonism-17 (FTDP-17); FRONTOTEMPORAL DEMENTIA WITH PARKINSONISM; FRONTOTEMPORAL LOBE DEMENTIA. Identifiers: Orphanet 282, MedGen C0338451, MONDO:0017276, OMIM 600274, HP:0002145.
Pick disease. Also called: PICK DISEASE OF BRAIN; Pick's disease; Pick Disease of the Brain; DEMENTIA WITH LOBAR ATROPHY AND NEURONAL CYTOPLASMIC INCLUSIONS; LOBAR ATROPHY OF BRAIN. Identifiers: Orphanet 282, MedGen C0236642, MONDO:0008243, OMIM 172700.
Acne inversa, familial, 3 (ACNINV3). Identifiers: MedGen C3151038, MONDO:0013398, OMIM 613737.
Alzheimer disease 3 (AD3). Also called: ALZHEIMER DISEASE, FAMILIAL, 3. Identifiers: Orphanet 1020, MedGen C1843013, MONDO:0011913, OMIM 607822.

Submission:

Labcorp Genetics (formerly Invitae), Labcorp
Classification: Uncertain significance for Alzheimer disease 3; Pick disease; Acne inversa, familial, 3; Frontotemporal dementia. Last evaluated: 2021-12-02. Review status: criteria provided, single submitter. Criteria: Invitae Variant Classification Sherloc (09022015). Collection method: clinical testing. Allele origin: germline.
Comment: In summary, the available evidence is currently insufficient to determine the role of this variant in disease. Therefore, it has been classified as a Variant of Uncertain Significance. Advanced modeling of protein sequence and biophysical properties (such as structural, functional, and spatial information, amino acid conservation, physicochemical variation, residue mobility, and thermodynamic stability) performed at Invitae indicates that this missense variant is expected to disrupt PSEN1 protein function. This variant has not been reported in the literature in individuals affected with PSEN1-related conditions. This variant is not present in population databases (gnomAD no frequency). This sequence change replaces lysine, which is basic and polar, with threonine, which is neutral and polar, at codon 187 of the PSEN1 protein (p.Lys187Thr).